The following is an entry in ClinVar:

NM_152564.5(VPS13B):c.4050_4053del (p.Cys1350fs)

Gene: VPS13B (vacuolar protein sorting 13 homolog B; plus strand). Cytogenetic location: 8q22.2.
Variant type: Deletion.
Coding change: c.4050_4053del on transcript NM_152564.5 (MANE Select); coding-DNA positions 4050 to 4053, 4 bases deleted (TATG; older notation c.4050_4053delTATG).
Protein change: p.Cys1350fs; shifts the reading frame from cysteine 1350.
Molecular consequence: frameshift variant.
Genome position (GRCh38, 1-based): chr8:99,502,843-99,502,846, TATG deleted; deleting any 4 consecutive bases within chr8:99,502,841-99,502,846 gives the same sequence; the c. name uses the placement nearest the transcript's 3' end. VCF-style (leftmost placement, unchanged base first): chr8-99502840-TTGTA-T. GRCh37 (hg19) VCF-style: chr8-100515068-TTGTA-T.
Other names: c.4050_4053del, p.Cys1350fs (NM_017890.5); short protein forms C1350fs.
Identifiers: ClinVar variation 939125 (VCV000939125.7), dbSNP rs1821315647, ClinGen allele CA1139660685.

ClinVar aggregate classification (germline): Pathogenic (1 of 4 stars; one submission).

Conditions:
Cohen syndrome (COH1). Also called: PEPPER SYNDROME; Cutis verticis gyrata, retinitis pigmentosa, and sensorineural deafness. Identifiers: Orphanet 193, MedGen C0265223, MONDO:0008999, OMIM 216550.

Submission:

Labcorp Genetics (formerly Invitae), Labcorp
Classification: Pathogenic for Cohen syndrome. Last evaluated: 2019-09-13. Review status: criteria provided, single submitter. Criteria: Invitae Variant Classification Sherloc (09022015). Collection method: clinical testing. Allele origin: germline.
Comment: This sequence change creates a premature translational stop signal (p.Cys1350Trpfs*5) in the VPS13B gene. It is expected to result in an absent or disrupted protein product. This variant is not present in population databases (ExAC no frequency). This variant has not been reported in the literature in individuals with VPS13B-related conditions. Algorithms developed to predict the effect of sequence changes on RNA splicing suggest that this variant may create or strengthen a splice site, but this prediction has not been confirmed by published transcriptional studies. Loss-of-function variants in VPS13B are known to be pathogenic (PMID: 15141358, 16648375, 20461111). For these reasons, this variant has been classified as Pathogenic.

Literature cited by the submitters: PubMed 15141358; PubMed 16648375; PubMed 20461111.